The following is an entry in ClinVar:

ClinVar aggregate classification (germline): Pathogenic (1 of 4 stars; one submission).

Conditions:
Lynch syndrome 4 (LYNCH4). Also called: Hereditary non-polyposis colorectal cancer, type 4; Colorectal cancer, hereditary nonpolyposis, type 4. Identifiers: Orphanet 144, MedGen C1838333, MONDO:0013699, OMIM 614337. Disease mechanism: loss of function.

Submission:

Myriad Genetics, Inc.
Classification: Pathogenic for Lynch syndrome 4. Last evaluated: 2023-09-20. Review status: criteria provided, single submitter. Criteria: Myriad Autosomal Dominant, Autosomal Recessive and X-Linked Classification Criteria (2023). Collection method: clinical testing. Allele origin: unknown.
Comment: This variant is considered pathogenic. This variant creates a frameshift predicted to result in premature protein truncation.

NM_000535.7(PMS2):c.1485dup (p.His496fs)

Gene: PMS2 (PMS1 homolog 2, mismatch repair system component; minus strand). Cytogenetic location: 7p22.1.
Variant type: Duplication.
Coding change: c.1485dup on transcript NM_000535.7 (MANE Select); coding-DNA position 1485, one base duplicated (G; older notation c.1485dupG).
Protein change: p.His496fs; shifts the reading frame from histidine 496.
Molecular consequence: frameshift variant. On other transcripts: non-coding transcript variant (1), intron variant (1).
Genome position (GRCh38, 1-based): chr7:5,987,280, C duplicated on the plus strand (G on the coding strand, the reverse complement: PMS2 is on the minus strand); the first of 4 consecutive C bases (chr7:5,987,280-5,987,283); duplicating any one gives the same sequence. VCF-style (leftmost placement, unchanged base first): chr7-5987279-G-GC. GRCh37 (hg19) VCF-style: chr7-6026910-G-GC.
Other names: c.1077dup, p.His361Alafs (NM_001018040.1); c.1080dup, p.His361fs (NM_001322003.2, NM_001322004.2, NM_001322005.2 and 16 more transcripts); c.1329dup, p.His444fs (NM_001322006.2, NM_001406870.1); c.1167dup, p.His390fs (NM_001322007.2, NM_001322008.2, NM_001406876.1 and 2 more transcripts); c.924dup, p.His309fs (NM_001322010.2, NM_001406906.1, NM_001406907.1); c.552dup, p.His185fs (NM_001322011.2, NM_001322012.2); c.912dup, p.His305fs (NM_001322013.2, NM_001406909.1); c.1485dup, p.His496fs (NM_001322014.2, NM_001406871.1, NM_001406872.1); and 14 more; short protein forms H185fs, H239fs, H305fs, H309fs, H325fs, H338fs, H341fs, H361fs.
Identifiers: ClinVar variation 2674233 (VCV002674233.1), dbSNP rs2535783534, ClinGen allele CA2695198437.